The following is an entry in ClinVar:

NM_001257291.2(SLC9A7):c.1929T>C (p.Asp643=)

Gene: SLC9A7 (solute carrier family 9 member A7; minus strand). Cytogenetic location: Xp11.3.
Variant type: single nucleotide variant.
Coding change: c.1929T>C on transcript NM_001257291.2 (MANE Select); coding-DNA position 1929, T replaced by C.
Protein change: p.Asp643=; no amino-acid change (aspartic acid 643 retained).
Molecular consequence: synonymous variant.
Genome position (GRCh38, 1-based): chrX:46,613,289, A>G on the plus strand (T>C on the coding strand, the complement: SLC9A7 is on the minus strand). VCF-style: chrX-46613289-A-G. GRCh37 (hg19) VCF-style: chrX-46472724-A-G.
Other names: c.1926T>C, p.Asp642= (NM_032591.3).
Identifiers: ClinVar variation 2796465 (VCV002796465.3), dbSNP rs1942888786, ClinGen allele CA516235059.

ClinVar aggregate classification (germline): Uncertain significance (1 of 4 stars; one submission).

Allele frequency attached by ClinVar (database versions not stated): TOPMed 0.00001.

Submission:

Labcorp Genetics (formerly Invitae), Labcorp
Classification: Uncertain significance. Last evaluated: 2023-11-15. Review status: criteria provided, single submitter. Criteria: Invitae Variant Classification Sherloc (09022015). Collection method: clinical testing. Allele origin: germline.
Comment: This sequence change affects codon 643 of the SLC9A7 mRNA. It is a 'silent' change, meaning that it does not change the encoded amino acid sequence of the SLC9A7 protein. It affects a nucleotide within the consensus splice site. This variant is not present in population databases (gnomAD no frequency). This variant has not been reported in the literature in individuals affected with SLC9A7-related conditions. Algorithms developed to predict the effect of sequence changes on RNA splicing suggest that this variant is not likely to affect RNA splicing. In summary, the available evidence is currently insufficient to determine the role of this variant in disease. Therefore, it has been classified as a Variant of Uncertain Significance.